The following is an entry in ClinVar:

NM_003560.4(PLA2G6):c.1A>G (p.Met1Val)

Gene: PLA2G6 (phospholipase A2 group VI; minus strand). Cytogenetic location: 22q13.1.
Variant type: single nucleotide variant.
Coding change: c.1A>G on transcript NM_003560.4 (MANE Select); coding-DNA position 1, A replaced by G.
Protein change: p.Met1Val; changes the start codon (methionine 1).
Molecular consequence: missense variant, initiator codon variant. On other transcripts: 5 prime UTR variant (3).
Genome position (GRCh38, 1-based): chr22:38,169,426, T>C on the plus strand (A>G on the coding strand, the complement: PLA2G6 is on the minus strand). VCF-style: chr22-38169426-T-C. GRCh37 (hg19) VCF-style: chr22-38565433-T-C.
Other names: NM_001004426.3:c.1A>G; c.1A>G, p.Met1Val (NM_001004426.3, NM_001199562.3, NM_001349864.2 and 2 more transcripts); c.-665A>G (NM_001349867.2, NM_001349869.2); c.-490A>G (NM_001349868.2); short protein forms M1V.
Identifiers: ClinVar variation 2412655 (VCV002412655.7), dbSNP rs1167198937, ClinGen allele CA411521186.
Genomic context (GRCh38, chr22:38,169,426, plus strand): 5'-GGTTAGAGAACAAGTTGGTGACGCCACTGAAGGTATTGACCAGGCGGCCAAAGAACTGCA[T>C]CTTCTGCGGGGCAGGTGGGGAGGCCCCACCGTCTTCCCCCTCTGTCTGGAAGAAAACGAG-3'
Protein context (NP_003551.2, residues 1-11): [Met1Val]QFFGRLVNTF

ClinVar aggregate classification (germline): Pathogenic/Likely pathogenic. Review status: criteria provided, multiple submitters, no conflicts (2 of 4 stars). 4 submissions from 4 submitters: Pathogenic (2); Likely pathogenic (1). 1 of the submissions does not count toward it. Last evaluated 2023-09-05.

Conditions:
Infantile neuroaxonal dystrophy (NBIA2A). Also called: Infantile neuroaxonal dystrophy 1; NEURODEGENERATION WITH BRAIN IRON ACCUMULATION 2A; SEITELBERGER DISEASE. Identifiers: Orphanet 35069, MedGen C0270724, MONDO:0024457, OMIM 256600.
Neurodegeneration with brain iron accumulation 2B. Also called: aNAD; atypical Neuroaxonal Dystrophy (aNAD); NEUROAXONAL DYSTROPHY, ATYPICAL; NEURODEGENERATION WITH BRAIN IRON ACCUMULATION, PLA2G6-RELATED. Identifiers: Orphanet 35069, MedGen C1857747, MONDO:0012444, OMIM 610217.
PLA2G6-associated neurodegeneration (PLAN). Also called: phospholipase A2-associated neurodegeneration. Identifiers: Orphanet 329303, MedGen CN204472, MONDO:0017998.

Allele frequency attached by ClinVar (database versions not stated): gnomAD exomes below 0.00001; TOPMed 0.00001.

Submissions (4):

Labcorp Genetics (formerly Invitae), Labcorp
Classification: Pathogenic for Infantile neuroaxonal dystrophy. Last evaluated: 2023-09-05. Review status: criteria provided, single submitter. Criteria: Invitae Variant Classification Sherloc (09022015). Collection method: clinical testing. Allele origin: germline.
Comment: This sequence change affects the initiator methionine of the PLA2G6 mRNA. The next in-frame methionine is located at codon 179. This variant is present in population databases (no rsID available, gnomAD 0.0009%). Disruption of the initiator codon has been observed in individual(s) with infantile neuroaxonal dystrophy (PMID: 19138334, 27882168). In at least one individual the data is consistent with being in trans (on the opposite chromosome) from a pathogenic variant. ClinVar contains an entry for this variant (Variation ID: 2412655). This variant disrupts a region of the PLA2G6 protein in which other variant(s) (p.Ala80Thr) have been determined to be pathogenic (PMID: 16783378, 22934738, 30772976, 34622992). This suggests that this is a clinically significant region of the protein, and that variants that disrupt it are likely to be disease-causing. For these reasons, this variant has been classified as Pathogenic.

Broad Center for Mendelian Genomics, Broad Institute of MIT and Harvard
Classification: Pathogenic for PLA2G6-associated neurodegeneration. Last evaluated: 2023-01-24. Review status: criteria provided, single submitter. Criteria: ACMG Guidelines, 2015. Collection method: curation. Allele origin: germline. Inheritance: Autosomal recessive inheritance.
Comment: The p.Met1Val variant in PLA2G6 has been reported in 5 individuals with PLA2G6-associated neurodegeneration (PMID: 19138334, 34823216, 27882168, 30112060) and has been identified in 0.0009% (1/113318) of European (non-Finnish) chromosomes by the Genome Aggregation Database (gnomAD; dbSNP ID: rs1167198937). Although this variant has been seen in the general population in a heterozygous state, its frequency is low enough to be consistent with a recessive carrier frequency. Of the 5 affected individuals, 4 were compound heterozygotes that carried reported pathogenic and likely pathogenic variants in trans, which increases the likelihood that the p.Met1Val variant is pathogenic (Variant ID: 30370, 30371, 1298894; PMID: 19138334, 34823216, 27882168, 30112060). This variant is located in the first amino acid and obliterates the methionine initiation codon. The next in-frame methionine is at amino acid residue 179 and there are >10 reported pathogenic or likely pathogenic variants in ClinVar upstream of this methionine. In summary, this variant meets criteria to be classified as pathogenic for autosomal recessive PLA2G6-associated neurodegeneration. ACMG/AMP Criteria applied: PVS1_moderate, PM3_very-strong, PM2_supporting (Richards 2015).

Department of Neurology, Qilu Hospital of Shandong University
Classification: Likely pathogenic for PLA2G6-associated neurodegeneration. Last evaluated: 2020-01-01. Review status: criteria provided, single submitter. Criteria: ACMG2015. Collection method: clinical testing. Allele origin: germline. Affected: yes. Observed: 1 variant allele.

Department of Rehabilitation, Anhui Provincial Children's Hospital
Classification: Pathogenic for Neurodegeneration with brain iron accumulation 2B. Last evaluated: 2022-12-09. Review status: no assertion criteria provided. Collection method: clinical testing. Allele origin: unknown. Affected: yes. Not counted in ClinVar's aggregate classification.
Comment: The c.1A>G variant in the PLA2G6 gene is a start codon mutation that may affect polypeptide synthesis and impair gene function.

Literature cited by the submitters: PubMed 19138334 (cited by Labcorp Genetics (formerly Invitae), Labcorp and Department of Neurology, Qilu Hospital of Shandong University); PubMed 27882168 (cited by Labcorp Genetics (formerly Invitae), Labcorp and Department of Neurology, Qilu Hospital of Shandong University); PubMed 16783378 (cited by Labcorp Genetics (formerly Invitae), Labcorp); PubMed 22934738 (cited by Labcorp Genetics (formerly Invitae), Labcorp); PubMed 30772976 (cited by Labcorp Genetics (formerly Invitae), Labcorp); PubMed 34622992 (cited by Labcorp Genetics (formerly Invitae), Labcorp); PubMed 30112060 (cited by Department of Neurology, Qilu Hospital of Shandong University); PubMed 32613234 (cited by Department of Neurology, Qilu Hospital of Shandong University); PubMed 34823216 (cited by Department of Neurology, Qilu Hospital of Shandong University).